The following is an entry in ClinVar:

ClinVar aggregate classification (germline): Uncertain significance. Review status: criteria provided, multiple submitters, no conflicts (2 of 4 stars). 3 submissions from 3 submitters: Uncertain significance (3). Last evaluated 2025-10-09.

Conditions:
RYR1-related disorder. Also called: RYR1-related disorders; RYR1-related condition. Identifiers: MedGen CN239331.
Malignant hyperthermia, susceptibility to, 1 (MHS1). Also called: RYR1-Related Malignant Hyperthermia Susceptibility; Malignant hyperthermia suceptibility 1; Anesthesia related hyperthermia; Malignant hyperpyrexia; Fulminating hyperpyrexia; Pharmacogenic myopathy. Identifiers: Orphanet 423, MedGen C2930980, MONDO:0007783, OMIM 145600.

Allele frequency attached by ClinVar (database versions not stated): TOPMed below 0.00001; gnomAD exomes 0.00001.
gnomAD v4.1: 17 of 1,612,114 alleles (0.0011%); highest among the groups gnomAD compares: Non-Finnish European, 0.0013%; no homozygotes.

Submissions (3):

Labcorp Genetics (formerly Invitae), Labcorp
Classification: Uncertain significance for RYR1-related disorder. Last evaluated: 2025-10-09. Review status: criteria provided, single submitter. Criteria: Invitae Variant Classification Sherloc (09022015). Collection method: clinical testing. Allele origin: germline.
Comment: This sequence change replaces proline, which is neutral and non-polar, with histidine, which is basic and polar, at codon 854 of the RYR1 protein (p.Pro854His). This variant is present in population databases (no rsID available, gnomAD 0.002%). This variant has not been reported in the literature in individuals affected with RYR1-related conditions. ClinVar contains an entry for this variant (Variation ID: 1510831). Invitae Evidence Modeling of protein sequence and biophysical properties (such as structural, functional, and spatial information, amino acid conservation, physicochemical variation, residue mobility, and thermodynamic stability) indicates that this missense variant is expected to disrupt RYR1 protein function with a positive predictive value of 95%. In summary, the available evidence is currently insufficient to determine the role of this variant in disease. Therefore, it has been classified as a Variant of Uncertain Significance.

Color Diagnostics, LLC DBA Color Health
Classification: Uncertain significance for Malignant hyperthermia, susceptibility to, 1. Last evaluated: 2024-07-10. Review status: criteria provided, single submitter. Criteria: ACMG Guidelines, 2015. Collection method: clinical testing. Allele origin: germline.
Comment: This missense variant replaces proline with histidine at codon 854 of the RYR1 protein. Computational prediction suggests that this variant may have deleterious impact on protein structure and function. To our knowledge, functional studies have not been reported for this variant. This variant has not been reported in individuals affected with RYR1-related disorders in the literature. This variant has been identified in 2/249308 chromosomes in the general population by the Genome Aggregation Database (gnomAD). The available evidence is insufficient to determine the role of this variant in disease conclusively. Therefore, this variant is classified as a Variant of Uncertain Significance.

PreventionGenetics, part of Exact Sciences
Classification: Uncertain significance for RYR1-related condition. Last evaluated: 2023-01-29. Review status: criteria provided, single submitter. Criteria: ACMG Guidelines, 2015. Collection method: clinical testing. Allele origin: germline.
Comment: The RYR1 c.2561C>A variant is predicted to result in the amino acid substitution p.Pro854His. To our knowledge, this variant has not been reported in the literature. This variant is reported in 0.0018% of alleles in individuals of European (Non-Finnish) descent in gnomAD. At this time, the clinical significance of this variant is uncertain due to the absence of conclusive functional and genetic evidence.

NM_000540.3(RYR1):c.2561C>A (p.Pro854His)

Gene: RYR1 (ryanodine receptor 1; plus strand). Cytogenetic location: 19q13.2.
Variant type: single nucleotide variant.
Coding change: c.2561C>A on transcript NM_000540.3 (MANE Select); coding-DNA position 2561, C replaced by A.
Protein change: p.Pro854His; replaces proline 854 with histidine.
Molecular consequence: missense variant.
Genome position (GRCh38, 1-based): chr19:38,460,575, C>A. VCF-style: chr19-38460575-C-A. GRCh37 (hg19) VCF-style: chr19-38951215-C-A.
Other names: c.2561C>A (NM_000540.2); c.2561C>A, p.Pro854His (NM_001042723.2); short protein forms P854H.
Identifiers: ClinVar variation 1510831 (VCV001510831.7), dbSNP rs1314566176, ClinGen allele CA405630340.
Genomic context (GRCh38, chr19:38,460,575, plus strand): 5'-GGGGGCCTCACCTGGTGGGCCCCAGTCGCTGCCTCTCACACACCGACTTCGTGCCCTGCC[C>A]TGTGGACACTGTCCAGGTACTGCCTGCCCTGCAAAGGTTTTCTGGCGAGGCAGGGTCTCT-3'
Protein context (NP_000531.2, residues 844-864): CLSHTDFVPC[Pro854His]VDTVQIVLPP